The following is an entry in ClinVar:

ClinVar aggregate classification (germline): Uncertain significance (1 of 4 stars; one submission).

Allele frequency attached by ClinVar (database versions not stated): ExAC 0.00001; gnomAD 0.00001; TOPMed 0.00002; ESP Exome Variant Server 0.00008.
gnomAD v4.1: 10 of 1,614,136 alleles (0.00062%); highest among the groups gnomAD compares: African/African-American, 0.004%; no homozygotes.

Submission:

Ambry Genetics
Classification: Uncertain significance. Last evaluated: 2024-02-28. Review status: criteria provided, single submitter. Criteria: Ambry Variant Classification Scheme 2023. Collection method: clinical testing. Allele origin: germline.
Comment: The p.I862L variant (also known as c.2584A>C), located in coding exon 16 of the POLQ gene, results from an A to C substitution at nucleotide position 2584. The isoleucine at codon 862 is replaced by leucine, an amino acid with highly similar properties. This amino acid position is conserved. In addition, this alteration is predicted to be tolerated by in silico analysis. Since supporting evidence is limited at this time, the clinical significance of this alteration remains unclear.

NM_199420.4(POLQ):c.2584A>C (p.Ile862Leu)

Gene: POLQ (DNA polymerase theta; minus strand). Cytogenetic location: 3q13.33.
Variant type: single nucleotide variant.
Coding change: c.2584A>C on transcript NM_199420.4 (MANE Select); coding-DNA position 2584, A replaced by C.
Protein change: p.Ile862Leu; replaces isoleucine 862 with leucine.
Molecular consequence: missense variant.
Genome position (GRCh38, 1-based): chr3:121,490,347, T>G on the plus strand (A>C on the coding strand, the complement: POLQ is on the minus strand). VCF-style: chr3-121490347-T-G. GRCh37 (hg19) VCF-style: chr3-121209194-T-G.
Other names: short protein forms I862L.
Identifiers: ClinVar variation 1793409 (VCV001793409.2), dbSNP rs368236641, ClinGen allele CA2563210.